The following is an entry in ClinVar:

ClinVar aggregate classification (germline): Uncertain significance. Review status: criteria provided, multiple submitters, no conflicts (2 of 4 stars). 2 submissions from 2 submitters: Uncertain significance (2). Last evaluated 2022-12-16.

Conditions:
Inborn genetic diseases. Identifiers: MedGen C0950123, MeSH D030342.

Allele frequency attached by ClinVar (database versions not stated): gnomAD exomes 0.00008; gnomAD 0.00036.

Submissions (2):

Ambry Genetics
Classification: Uncertain significance for Inborn genetic diseases. Last evaluated: 2022-12-16. Review status: criteria provided, single submitter. Criteria: Ambry Variant Classification Scheme 2023. Collection method: clinical testing. Allele origin: germline.

Labcorp Genetics (formerly Invitae), Labcorp
Classification: Uncertain significance. Last evaluated: 2022-07-06. Review status: criteria provided, single submitter. Criteria: Invitae Variant Classification Sherloc (09022015). Collection method: clinical testing. Allele origin: germline.
Comment: This sequence change replaces arginine, which is basic and polar, with proline, which is neutral and non-polar, at codon 15 of the GPX4 protein (p.Arg15Pro). This variant is present in population databases (rs755894874, gnomAD 0.3%). This variant has not been reported in the literature in individuals affected with GPX4-related conditions. ClinVar contains an entry for this variant (Variation ID: 1523088). Algorithms developed to predict the effect of missense changes on protein structure and function are either unavailable or do not agree on the potential impact of this missense change (SIFT: "Deleterious"; PolyPhen-2: "Not Available"; Align-GVGD: "Class C0"). In summary, the available evidence is currently insufficient to determine the role of this variant in disease. Therefore, it has been classified as a Variant of Uncertain Significance.

NM_002085.5(GPX4):c.85-408G>C

Genes: GPX4 (glutathione peroxidase 4; plus strand), LOC130062887 (ATAC-STARR-seq lymphoblastoid silent region 9665; plus strand). Cytogenetic location: 19p13.3.
Variant type: single nucleotide variant.
Coding change: c.85-408G>C on transcript NM_002085.5 (MANE Select); 408 bases into the intron before coding-DNA position 85, G replaced by C.
Molecular consequence: intron variant. On other transcripts: missense variant (1).
Genome position (GRCh38, 1-based): chr19:1,104,778, G>C. VCF-style: chr19-1104778-G-C. GRCh37 (hg19) VCF-style: chr19-1104777-G-C.
Other names: c.44G>C, p.Arg15Pro (NM_001039848.4); c.85-408G>C (NM_001039847.3); c.4-408G>C (NM_001367832.1); c.44G>C (NM_001039848.1); short protein forms R15P.
Identifiers: ClinVar variation 1523088 (VCV001523088.4), dbSNP rs755894874, ClinGen allele CA9037135.